The following is an entry in ClinVar:

NM_198904.4(GABRG2):c.631+6T>C

Gene: GABRG2 (gamma-aminobutyric acid type A receptor subunit gamma2; plus strand). Cytogenetic location: 5q34.
Variant type: single nucleotide variant.
Coding change: c.631+6T>C on transcript NM_198904.4 (MANE Select); 6 bases into the intron after coding-DNA position 631, T replaced by C.
Molecular consequence: intron variant.
Genome position (GRCh38, 1-based): chr5:162,101,323, T>C. VCF-style: chr5-162101323-T-C. GRCh37 (hg19) VCF-style: chr5-161528329-T-C.
Other names: c.346+6T>C (NM_001375349.1); c.631+6T>C (NM_001375343.1, NM_001375344.1, NM_001375340.1 and 4 more transcripts); c.211+6T>C (NM_001375350.1, NM_001375348.1); c.622+6T>C (NM_001375339.1); c.565+6T>C (NM_001375346.1, NM_001375345.1); c.544+6T>C (NM_001375347.1).
Identifiers: ClinVar variation 944415 (VCV000944415.10), dbSNP rs1761398589, ClinGen allele CA1139659243.

ClinVar aggregate classification (germline): Uncertain significance (1 of 4 stars; one submission).

Conditions:
EPILEPSY, CHILDHOOD ABSENCE, SUSCEPTIBILITY TO, 2 (ECA2). Identifiers: Orphanet 64280, MedGen C1843244, OMIM 607681.
Febrile seizures, familial, 8 (FEB8). Also called: CONVULSIONS, FAMILIAL FEBRILE, 8. Identifiers: Orphanet 36387, MedGen C1969810, MONDO:0011891, OMIM 607681.

Submission:

Labcorp Genetics (formerly Invitae), Labcorp
Classification: Uncertain significance for Febrile seizures, familial, 8; EPILEPSY, CHILDHOOD ABSENCE, SUSCEPTIBILITY TO, 2. Last evaluated: 2022-02-24. Review status: criteria provided, single submitter. Criteria: Invitae Variant Classification Sherloc (09022015). Collection method: clinical testing. Allele origin: germline.
Comment: This sequence change falls in intron 5 of the GABRG2 gene. It does not directly change the encoded amino acid sequence of the GABRG2 protein. It affects a nucleotide within the consensus splice site. This variant is not present in population databases (gnomAD no frequency). This variant has not been reported in the literature in individuals affected with GABRG2-related conditions. ClinVar contains an entry for this variant (Variation ID: 944415). Variants that disrupt the consensus splice site are a relatively common cause of aberrant splicing (PMID: 17576681, 9536098). Algorithms developed to predict the effect of sequence changes on RNA splicing suggest that this variant is not likely to affect RNA splicing. In summary, the available evidence is currently insufficient to determine the role of this variant in disease. Therefore, it has been classified as a Variant of Uncertain Significance.

Literature cited by the submitters: PubMed 17576681; PubMed 9536098.